The following is an entry in ClinVar:

ClinVar aggregate classification (germline): Uncertain significance (1 of 4 stars; one submission).

Submission:

Labcorp Genetics (formerly Invitae), Labcorp
Classification: Uncertain significance. Last evaluated: 2024-04-23. Review status: criteria provided, single submitter. Criteria: Invitae Variant Classification Sherloc (09022015). Collection method: clinical testing. Allele origin: germline.
Comment: This sequence change falls in intron 21 of the ATR gene. It does not directly change the encoded amino acid sequence of the ATR protein. This variant is not present in population databases (gnomAD no frequency). This variant has not been reported in the literature in individuals affected with ATR-related conditions. Experimental studies and prediction algorithms are not available or were not evaluated, and the effect of this variant on mRNA splicing is currently unknown. In summary, the available evidence is currently insufficient to determine the role of this variant in disease. Therefore, it has been classified as a Variant of Uncertain Significance.

NM_001184.4(ATR):c.3946-316_3946-16del

Gene: ATR (ATR checkpoint kinase; minus strand). Cytogenetic location: 3q23.
Variant type: Deletion.
Coding change: c.3946-316_3946-16del on transcript NM_001184.4 (MANE Select); 316 bases into the intron before coding-DNA position 3946 through 16 bases into the intron before coding-DNA position 3946, 301 bases deleted.
Molecular consequence: intron variant.
Genome position (GRCh38, 1-based): chr3:142,524,215-142,524,515, 301 bases deleted. GRCh37 (hg19): chr3:142,243,060-142,243,360.
Other names: c.3754-316_3754-16del (NM_001354579.2).
Identifiers: ClinVar variation 3650634 (VCV003650634.2).